The following is an entry in ClinVar:

NM_000075.4(CDK4):c.775T>C (p.Ser259Pro)

Genes: CDK4 (cyclin dependent kinase 4; minus strand), TSPAN31 (tetraspanin 31; plus strand). Cytogenetic location: 12q14.1.
Variant type: single nucleotide variant.
Coding change: c.775T>C on transcript NM_000075.4 (MANE Select); coding-DNA position 775, T replaced by C.
Protein change: p.Ser259Pro; replaces serine 259 with proline.
Molecular consequence: missense variant. On other transcripts: 3 prime UTR variant (3).
Genome position (GRCh38, 1-based): chr12:57,749,226, A>G on the plus strand (T>C on the coding strand, the complement: CDK4 is on the minus strand). VCF-style: chr12-57749226-A-G. GRCh37 (hg19) VCF-style: chr12-58143009-A-G.
Other names: c.*1936A>G (NM_001330168.2, NM_001330169.2, NM_005981.5); short protein forms S259P.
Identifiers: ClinVar variation 2899466 (VCV002899466.3), dbSNP rs2140382779, ClinGen allele CA385543210.
Genomic context (GRCh38, chr12:57,749,226, plus strand): 5'-CAGCCATCTCCAGTACCAGCAGCAGCTGTGCTCCCGACTCCTCCATCTCAGGTACCACCG[A>G]CTGCACTGGGCGGGGCCCTCTGGGGGGAAAGGCTCCACGGGGCAGGGATACATCTCGAGG-3'
Protein context (NP_000066.1, residues 249-269): FPPRGPRPVQ[Ser259Pro]VVPEMEESGA

ClinVar aggregate classification (germline): Uncertain significance (1 of 4 stars; one submission).

Conditions:
Familial melanoma. Also called: Hereditary melanoma; Hereditary cutaneous melanoma. Identifiers: Orphanet 618, MedGen C1512419, MONDO:0018961.

Submission:

Labcorp Genetics (formerly Invitae), Labcorp
Classification: Uncertain significance for Familial melanoma. Last evaluated: 2023-06-16. Review status: criteria provided, single submitter. Criteria: Invitae Variant Classification Sherloc (09022015). Collection method: clinical testing. Allele origin: germline.
Comment: In summary, the available evidence is currently insufficient to determine the role of this variant in disease. Therefore, it has been classified as a Variant of Uncertain Significance. Advanced modeling of protein sequence and biophysical properties (such as structural, functional, and spatial information, amino acid conservation, physicochemical variation, residue mobility, and thermodynamic stability) performed at Invitae indicates that this missense variant is not expected to disrupt CDK4 protein function. This variant has not been reported in the literature in individuals affected with CDK4-related conditions. This variant is not present in population databases (gnomAD no frequency). This sequence change replaces serine, which is neutral and polar, with proline, which is neutral and non-polar, at codon 259 of the CDK4 protein (p.Ser259Pro).